The following is an entry in ClinVar:

NM_001034853.2(RPGR):c.114dup (p.His39fs)

Gene: RPGR (retinitis pigmentosa GTPase regulator; minus strand). Cytogenetic location: Xp11.4.
Variant type: Duplication.
Coding change: c.114dup on transcript NM_001034853.2 (MANE Select); coding-DNA position 114, one base duplicated (A; older notation c.114dupA).
Protein change: p.His39fs; shifts the reading frame from histidine 39.
Molecular consequence: frameshift variant. On other transcripts: non-coding transcript variant (6).
Genome position (GRCh38, 1-based): chrX:38,323,439, T duplicated on the plus strand (A on the coding strand, the reverse complement: RPGR is on the minus strand). VCF-style (leftmost placement, unchanged base first): chrX-38323438-G-GT. GRCh37 (hg19) VCF-style: chrX-38182691-G-GT.
Other names: c.114dup, p.His39fs (NM_000328.3, NM_001367245.1, NM_001367246.1 and 4 more transcripts); c.144dup, p.His49fs (NM_001367248.1); short protein forms H39fs, H49fs.
Identifiers: ClinVar variation 1297116 (VCV001297116.2), dbSNP rs2147291671, ClinGen allele CA2499226699.

ClinVar aggregate classification (germline): Likely pathogenic (1 of 4 stars; one submission).

Conditions:
Retinitis pigmentosa (RP). Identifiers: Orphanet 791, MedGen C0035334, MeSH D012174, MONDO:0019200, OMIM 268000. Inheritance: Autosomal dominant, autosomal recessive and X linked inheritance.

Submission:

Broad Center for Mendelian Genomics, Broad Institute of MIT and Harvard
Classification: Likely pathogenic for Retinitis pigmentosa. Last evaluated: 2021-04-01. Review status: criteria provided, single submitter. Criteria: ACMG Guidelines, 2015. Collection method: curation. Allele origin: germline. Inheritance: X-linked inheritance. Affected: yes.
Comment: Through a review of available evidence we were able to apply the following criteria: PVS1, PM2. Based on this evidence we have classified this variant as Likely Pathogenic. If you have any questions about the classification please reach out to the Pierce Lab.

Literature cited by the submitters: PubMed 34906470.